The following is an entry in ClinVar:

ClinVar aggregate classification (germline): Pathogenic. Review status: criteria provided, multiple submitters, no conflicts (2 of 4 stars). 5 submissions from 5 submitters: Pathogenic (4). 1 of the submissions does not count toward it. Last evaluated 2025-08-05.

Conditions:
Wilson disease (WND). Also called: Wilson's disease. Identifiers: Orphanet 905, MedGen C0019202, MONDO:0010200, OMIM 277900. Disease mechanism: loss of function.

Submissions (5):

Color Diagnostics, LLC DBA Color Health
Classification: Pathogenic for Wilson disease. Last evaluated: 2025-08-05. Review status: criteria provided, single submitter. Criteria: ACMG Guidelines, 2015. Collection method: clinical testing. Allele origin: germline.
Comment: This variant deletes 7 nucleotides in exon 2 of the ATP7B gene, creating a frameshift and premature translation stop signal. This variant is expected to result in an absent or non-functional protein product. This variant has been reported in an individual affected with Wilson disease (PMID: 10447265). This variant has not been identified in the general population by the Genome Aggregation Database (gnomAD). Loss of ATP7B function is a known mechanism of disease. Based on the available evidence, this variant is classified as Pathogenic.

Labcorp Genetics (formerly Invitae), Labcorp
Classification: Pathogenic for Wilson disease. Last evaluated: 2023-09-08. Review status: criteria provided, single submitter. Criteria: Invitae Variant Classification Sherloc (09022015). Collection method: clinical testing. Allele origin: germline.
Comment: This premature translational stop signal has been observed in individual(s) with Wilson disease (PMID: 10447265). For these reasons, this variant has been classified as Pathogenic. Algorithms developed to predict the effect of sequence changes on RNA splicing suggest that this variant may disrupt the consensus splice site. ClinVar contains an entry for this variant (Variation ID: 633074). This variant is not present in population databases (gnomAD no frequency). This sequence change creates a premature translational stop signal (p.Cys268Leufs*4) in the ATP7B gene. It is expected to result in an absent or disrupted protein product. Loss-of-function variants in ATP7B are known to be pathogenic (PMID: 10441329, 16283883).

GeneDx
Classification: Pathogenic. Last evaluated: 2018-11-30. Review status: criteria provided, single submitter. Criteria: GeneDx Variant Classification (06012015). Collection method: clinical testing. Allele origin: germline. Affected: yes.
Comment: The c.802_808delTGTAAGT variant in the ATP7B gene has been reported previously in the heterozygous state with a second ATP7B variant in a patient with Wilson disease (Haas et al., 1999). The c.802_808delTGTAAGT variant causes a frameshift starting with codon Cysteine 268, changes this amino acid to a Leucine residue, and creates a premature Stop codon at position 4 of the new reading frame, denoted p.Cys268LeufsX4. This variant is predicted to cause loss of normal protein function either through protein truncation or nonsense-mediated mRNA decay. The c.802_808delTGTAAGT variant is not observed in large population cohorts (Lek et al., 2016). We interpret c.802_808delTGTAAGT as a pathogenic variant.

Women's Health and Genetics/Laboratory Corporation of America, LabCorp
Classification: Pathogenic for Wilson disease. Last evaluated: 2018-11-15. Review status: criteria provided, single submitter. Criteria: LabCorp Variant Classification Summary - May 2015. Collection method: clinical testing. Allele origin: germline.
Comment: Variant summary: ATP7B c.802_808delTGTAAGT (p.Cys268LeufsX4) results in a premature termination codon, predicted to cause a truncation of the encoded protein or absence of the protein due to nonsense mediated decay, which are commonly known mechanisms for disease. Truncations downstream of this position have been classified as pathogenic by our laboratory (e.g. p.Ser382fsX24, p.Gln511X, p.Ile582fsX25). The variant was absent in 244586 control chromosomes (gnomAD). c.802_808delTGTAAGT has been reported in the literature in an individual affected with Wilson Disease (Haas_1999). These data do not allow any conclusion about variant significance. To our knowledge, no experimental evidence demonstrating an impact on protein function has been reported. No clinical diagnostic laboratories have submitted clinical-significance assessments for this variant to ClinVar after 2014. Based on the evidence outlined above, the variant was classified as pathogenic.

Natera, Inc.
Classification: Pathogenic for Wilson disease. Last evaluated: 2021-07-17. Review status: no assertion criteria provided. Collection method: clinical testing. Allele origin: germline. Not counted in ClinVar's aggregate classification.

Literature cited by the submitters: PubMed 10447265 (cited by 3 submitters); PubMed 10441329 (cited by Labcorp Genetics (formerly Invitae), Labcorp); PubMed 16283883 (cited by Labcorp Genetics (formerly Invitae), Labcorp); PubMed 29649982 (cited by Women's Health and Genetics/Laboratory Corporation of America, LabCorp).

NM_000053.4(ATP7B):c.802_808del (p.Cys268fs)

Gene: ATP7B (ATPase copper transporting beta; minus strand). Cytogenetic location: 13q14.3.
Variant type: Deletion.
Coding change: c.802_808del on transcript NM_000053.4 (MANE Select); coding-DNA positions 802 to 808, 7 bases deleted (TGTAAGT; older notation c.802_808delTGTAAGT).
Protein change: p.Cys268fs; shifts the reading frame from cysteine 268.
Molecular consequence: frameshift variant. On other transcripts: splice donor variant (1).
Genome position (GRCh38, 1-based): chr13:51,974,412-51,974,418, ACTTACA deleted on the plus strand (TGTAAGT on the coding strand, the reverse complement: ATP7B is on the minus strand); deleting any 7 consecutive bases within chr13:51,974,412-51,974,419 gives the same sequence; the c. name uses the placement nearest the transcript's 3' end. VCF-style (leftmost placement, unchanged base first): chr13-51974411-GACTTACA-G. GRCh37 (hg19) VCF-style: chr13-52548547-GACTTACA-G.
Other names: c.802_808del, p.Cys268fs (NM_001005918.3, NM_001330578.2, NM_001330579.2); c.802_802+6del (NM_001243182.2); short protein forms C268fs.
Identifiers: ClinVar variation 633074 (VCV000633074.10), dbSNP rs1566598496, ClinGen allele CA913190864.